The following is an entry in ClinVar:

NM_004006.3(DMD):c.1637G>A (p.Trp546Ter)

Gene: DMD (dystrophin; minus strand). Cytogenetic location: Xp21.1.
Variant type: single nucleotide variant.
Coding change: c.1637G>A on transcript NM_004006.3 (MANE Select); coding-DNA position 1637, G replaced by A.
Protein change: p.Trp546Ter; replaces tryptophan 546 with a stop codon.
Molecular consequence: nonsense.
Genome position (GRCh38, 1-based): chrX:32,573,812, C>T on the plus strand (G>A on the coding strand, the complement: DMD is on the minus strand). VCF-style: chrX-32573812-C-T. GRCh37 (hg19) VCF-style: chrX-32591929-C-T.
Other names: c.1613G>A, p.Trp538Ter (NM_000109.4); c.1625G>A, p.Trp542Ter (NM_004009.3); c.1268G>A, p.Trp423Ter (NM_004010.3); short protein forms W546*, W538*, W423*, W542*.
Identifiers: ClinVar variation 374191 (VCV000374191.13), dbSNP rs1057518962, ClinGen allele CA16043590.

ClinVar aggregate classification (germline): Pathogenic. Review status: criteria provided, multiple submitters, no conflicts (2 of 4 stars). 5 submissions from 4 submitters: Pathogenic (5). Last evaluated 2022-09-06.

Conditions:
Dilated cardiomyopathy 3B (CMD3B). Also called: CMD3B: DMD-Related Dilated Cardiomyopathy; CARDIOMYOPATHY, DILATED, X-LINKED; DMD-Associated Dilated Cardiomyopathy. Identifiers: Orphanet 154, MedGen C3668940, MONDO:0010542, OMIM 302045.
Duchenne muscular dystrophy (DMD). Also called: Duchenne Muscular Dystrophy (DMD); MUSCULAR DYSTROPHY, PSEUDOHYPERTROPHIC PROGRESSIVE, DUCHENNE TYPE. Identifiers: Orphanet 98896, MedGen C0013264, MONDO:0010679, OMIM 310200.
EMG: myopathic abnormalities. Identifiers: MedGen C4021726, HP:0003458.
Muscle weakness. Identifiers: MedGen C0151786, HP:0001324.
Calf muscle hypertrophy. Identifiers: MedGen C1843057, HP:0008981.
Muscle spasm. Also called: spasm of muscle; Muscle cramps. Identifiers: MedGen C0037763, HP:0003394.
EMG abnormality. Identifiers: MedGen C0476403, HP:0003457.
Motor delay. Also called: Motor Developmental Delay; Motor retardation. Identifiers: MedGen C1854301, HP:0001270.
Becker muscular dystrophy (BMD). Also called: MUSCULAR DYSTROPHY, PSEUDOHYPERTROPHIC PROGRESSIVE, BECKER TYPE; Becker Muscular Dystrophy (BMD). Identifiers: Orphanet 98895, MedGen C0917713, MONDO:0010311, OMIM 300376.

Submissions (5):

Labcorp Genetics (formerly Invitae), Labcorp
Classification: Pathogenic for Duchenne muscular dystrophy. Last evaluated: 2022-09-06. Review status: criteria provided, single submitter. Criteria: Invitae Variant Classification Sherloc (09022015). Collection method: clinical testing. Allele origin: germline.
Comment: For these reasons, this variant has been classified as Pathogenic. ClinVar contains an entry for this variant (Variation ID: 374191). This premature translational stop signal has been observed in individual(s) with clinical features of Duchenne and Becker muscular dystrophies (PMID: 17253928, 34106991). This variant is not present in population databases (gnomAD no frequency). This sequence change creates a premature translational stop signal (p.Trp546*) in the DMD gene. It is expected to result in an absent or disrupted protein product. Loss-of-function variants in DMD are known to be pathogenic (PMID: 16770791, 25007885).

Centre for Mendelian Genomics, University Medical Centre Ljubljana
Classification: Pathogenic for Dilated cardiomyopathy 3B. Last evaluated: 2016-01-01. Review status: criteria provided, single submitter. Criteria: ACMG Guidelines, 2015. Collection method: clinical testing. Allele origin: unknown. Affected: yes.
Comment: This variant was classified as: Pathogenic. This variant was detected in hemizygous state.

Centre for Mendelian Genomics, University Medical Centre Ljubljana
Classification: Pathogenic for Calf muscle hypertrophy; EMG abnormality; EMG: myopathic abnormalities; Motor delay; Muscle spasm; Muscle weakness. Last evaluated: 2014-06-11. Review status: criteria provided, single submitter. Criteria: ACMG Guidelines, 2015. Collection method: clinical testing. Allele origin: unknown. Affected: yes.

Genomic Diagnostics Laboratory, National Institute of Medical Genomics
Classification: Pathogenic for Duchenne muscular dystrophy. Review status: criteria provided, single submitter. Criteria: ACMG Guidelines, 2015. Collection method: research. Allele origin: germline. Affected: yes.

Juno Genomics, Hangzhou Juno Genomics, Inc
Classification: Pathogenic for Becker muscular dystrophy; Dilated cardiomyopathy 3B; Duchenne muscular dystrophy. Review status: criteria provided, single submitter. Criteria: ACMG Guidelines, 2015. Collection method: clinical testing. Allele origin: germline. Affected: yes.
Comment: Null variant in a gene where loss of function (LOF) is a known mechanism of disease.;Absent from controls (or at extremely low frequency if recessive) in Genome Aggregation Database, Exome Sequencing Project, 1000 Genomes Project, or Exome Aggregation Consortium.;The prevalence of the variant in affected individuals is significantly increased compared to the prevalence in controls.;Patient's phenotype or family history is highly specific for a disease with a single genetic etiology.

Literature cited by the submitters: PubMed 17253928 (cited by Labcorp Genetics (formerly Invitae), Labcorp); PubMed 34106991 (cited by Labcorp Genetics (formerly Invitae), Labcorp); PubMed 16770791 (cited by Labcorp Genetics (formerly Invitae), Labcorp); PubMed 25007885 (cited by Labcorp Genetics (formerly Invitae), Labcorp).